The following is an entry in ClinVar:

ClinVar aggregate classification (germline): Uncertain significance. Review status: criteria provided, multiple submitters, no conflicts (2 of 4 stars). 3 submissions from 3 submitters: Uncertain significance (3). Last evaluated 2025-04-10.

Conditions:
Agammaglobulinemia 2, autosomal recessive (AGM2). Also called: AGAMMAGLOBULINEMIA, AUTOSOMAL RECESSIVE, DUE TO IGLL1 DEFECT. Identifiers: MedGen C3150750, MONDO:0013287, OMIM 613500.

Allele frequency attached by ClinVar (database versions not stated): ExAC below 0.00001; gnomAD exomes below 0.00001; ESP Exome Variant Server 0.00008.
gnomAD v4.1: 5 of 1,558,438 alleles (0.00032%); highest among the groups gnomAD compares: Middle Eastern, 0.018%; no homozygotes.

Submissions (3):

Ambry Genetics
Classification: Uncertain significance. Last evaluated: 2025-04-10. Review status: criteria provided, single submitter. Criteria: Ambry Variant Classification Scheme 2023. Collection method: clinical testing. Allele origin: germline.

Blueprint Genetics
Classification: Uncertain significance. Last evaluated: 2024-04-09. Review status: criteria provided, single submitter. Criteria: ACMG Guidelines, 2015. Collection method: clinical testing. Allele origin: germline.

Labcorp Genetics (formerly Invitae), Labcorp
Classification: Uncertain significance for Agammaglobulinemia 2, autosomal recessive. Last evaluated: 2020-07-07. Review status: criteria provided, single submitter. Criteria: Invitae Variant Classification Sherloc (09022015). Collection method: clinical testing. Allele origin: germline.
Comment: In summary, the available evidence is currently insufficient to determine the role of this variant in disease. Therefore, it has been classified as a Variant of Uncertain Significance. Algorithms developed to predict the effect of missense changes on protein structure and function (SIFT, PolyPhen-2, Align-GVGD) all suggest that this variant is likely to be tolerated, but these predictions have not been confirmed by published functional studies and their clinical significance is uncertain. This variant has not been reported in the literature in individuals with IGLL1-related conditions. The frequency data for this variant in the population databases is considered unreliable, as metrics indicate poor data quality at this position in the ExAC database. This sequence change replaces proline with leucine at codon 18 of the IGLL1 protein (p.Pro18Leu). The proline residue is weakly conserved and there is a moderate physicochemical difference between proline and leucine.

NM_020070.4(IGLL1):c.53C>T (p.Pro18Leu)

Gene: IGLL1 (immunoglobulin lambda like polypeptide 1; minus strand). Cytogenetic location: 22q11.23.
Variant type: single nucleotide variant.
Coding change: c.53C>T on transcript NM_020070.4 (MANE Select); coding-DNA position 53, C replaced by T.
Protein change: p.Pro18Leu; replaces proline 18 with leucine.
Molecular consequence: missense variant.
Genome position (GRCh38, 1-based): chr22:23,580,138, G>A on the plus strand (C>T on the coding strand, the complement: IGLL1 is on the minus strand). VCF-style: chr22-23580138-G-A. GRCh37 (hg19) VCF-style: chr22-23922325-G-A.
Other names: c.53C>T (NM_020070.2); c.53C>T, p.Pro18Leu (NM_001369906.1, NM_152855.3); short protein forms P18L.
Identifiers: ClinVar variation 1025838 (VCV001025838.10), dbSNP rs374187217, ClinGen allele CA10143435.